The following is an entry in ClinVar:

NM_170784.3(MKKS):c.1313G>A (p.Cys438Tyr)

Gene: MKKS (MKKS centrosomal shuttling protein; minus strand). Cytogenetic location: 20p12.2.
Variant type: single nucleotide variant.
Coding change: c.1313G>A on transcript NM_170784.3 (MANE Select); coding-DNA position 1313, G replaced by A.
Protein change: p.Cys438Tyr; replaces cysteine 438 with tyrosine.
Molecular consequence: missense variant. On other transcripts: non-coding transcript variant (1).
Genome position (GRCh38, 1-based): chr20:10,405,647, C>T on the plus strand (G>A on the coding strand, the complement: MKKS is on the minus strand). VCF-style: chr20-10405647-C-T. GRCh37 (hg19) VCF-style: chr20-10386295-C-T.
Other names: c.1313G>A, p.Cys438Tyr (NM_018848.3); short protein forms C438Y.
Identifiers: ClinVar variation 435872 (VCV000435872.9), dbSNP rs758821712, ClinGen allele CA408231174.

ClinVar aggregate classification (germline): Uncertain significance. Review status: criteria provided, multiple submitters, no conflicts (2 of 4 stars). 3 submissions from 3 submitters: Uncertain significance (3). Last evaluated 2025-10-02.

Conditions:
MKKS-related disorder. Also called: MKKS-related disorders; MKKS-related condition.

gnomAD v4.1: 1 of 1,614,140 alleles (0.000062%); highest among the groups gnomAD compares: Non-Finnish European, 0.000085%; no homozygotes.

Submissions (3):

PreventionGenetics, part of Exact Sciences
Classification: Uncertain significance for MKKS-related condition. Last evaluated: 2025-10-02. Review status: criteria provided, single submitter. Criteria: ACMG Guidelines, 2015. Collection method: clinical testing. Allele origin: germline.
Comment: The MKKS c.1313G>A variant is predicted to result in the amino acid substitution p.Cys438Tyr. To our knowledge, this variant has not been reported in the literature or in gnomAD, indicating this variant is rare. At this time, the clinical significance of this variant is uncertain due to the absence of conclusive functional and genetic evidence.

GeneDx
Classification: Uncertain significance. Last evaluated: 2019-10-31. Review status: criteria provided, single submitter. Criteria: GeneDx Variant Classification Process June 2021. Collection method: clinical testing. Allele origin: germline. Affected: yes.
Comment: Not observed in large population cohorts (Lek et al., 2016); In silico analysis, which includes protein predictors and evolutionary conservation, supports a deleterious effect; Has not been previously published as pathogenic or benign to our knowledge

Genetic Services Laboratory, University of Chicago
Classification: Uncertain significance. Last evaluated: 2016-02-22. Review status: criteria provided, single submitter. Criteria: ACMG Guidelines, 2015. Collection method: clinical testing. Allele origin: germline. Affected: no.